The following is an entry in ClinVar:

NM_006261.5(PROP1):c.456T>C (p.Ala152=)

Gene: PROP1 (PROP paired-like homeobox 1; minus strand). Cytogenetic location: 5q35.3.
Variant type: single nucleotide variant.
Coding change: c.456T>C on transcript NM_006261.5 (MANE Select); coding-DNA position 456, T replaced by C.
Protein change: p.Ala152=; no amino-acid change (alanine 152 retained).
Molecular consequence: synonymous variant.
Genome position (GRCh38, 1-based): chr5:177,992,934, A>G on the plus strand (T>C on the coding strand, the complement: PROP1 is on the minus strand). VCF-style: chr5-177992934-A-G. GRCh37 (hg19) VCF-style: chr5-177419935-A-G.
Identifiers: ClinVar variation 196433 (VCV000196433.20), dbSNP rs758911793, ClinGen allele CA243390.

ClinVar aggregate classification (germline): Conflicting classifications of pathogenicity. Review status: criteria provided, conflicting classifications (1 of 4 stars). 5 submissions from 5 submitters: Uncertain significance (1); Likely benign (2). 2 of the submissions do not count toward it. Last evaluated 2025-12-22.

Conditions:
PROP1-related disorder. Also called: PROP1-related condition.
Pituitary hormone deficiency, combined, 2. Also called: PROP1-Related Combined Pituitary Hormone Deficiency; ATELIOTIC DWARFISM WITH HYPOGONADISM; PITUITARY DWARFISM III; HANHART DWARFISM. Identifiers: MedGen C0878683, MONDO:0009878, OMIM 262600.

Allele frequency attached by ClinVar (database versions not stated): gnomAD exomes 0.00002; ExAC 0.00001; gnomAD 0.00001; TOPMed 0.00001.
gnomAD v4.1: 27 of 1,613,792 alleles (0.0017%); highest among the groups gnomAD compares: Middle Eastern, 0.033%; no homozygotes.

Submissions (5):

Labcorp Genetics (formerly Invitae), Labcorp
Classification: Likely benign. Last evaluated: 2025-12-22. Review status: criteria provided, single submitter. Criteria: Invitae Variant Classification Sherloc (09022015). Collection method: clinical testing. Allele origin: germline.

Blueprint Genetics
Classification: Likely benign. Last evaluated: 2023-12-01. Review status: criteria provided, single submitter. Criteria: ACMG Guidelines, 2015. Collection method: clinical testing. Allele origin: germline.

Eurofins Ntd Llc (ga)
Classification: Uncertain significance. Last evaluated: 2018-03-02. Review status: criteria provided, single submitter. Criteria: EGL ClinVar v180209 classification definitions. Collection method: clinical testing. Allele origin: germline. Observed: 2 variant alleles, 2 heterozygotes.

Natera, Inc.
Classification: Likely benign for Combined pituitary hormone deficiency type 2. Last evaluated: 2020-06-04. Review status: no assertion criteria provided. Collection method: clinical testing. Allele origin: germline. Not counted in ClinVar's aggregate classification.

PreventionGenetics, part of Exact Sciences
Classification: Likely benign for PROP1-related condition. Last evaluated: 2019-06-11. Review status: no assertion criteria provided. Collection method: clinical testing. Allele origin: germline. Not counted in ClinVar's aggregate classification.
Comment: This variant is classified as likely benign based on ACMG/AMP sequence variant interpretation guidelines (Richards et al. 2015 PMID: 25741868, with internal and published modifications).